The following is an entry in ClinVar:

NM_020686.6(ABAT):c.317G>A (p.Gly106Asp)

Gene: ABAT (4-aminobutyrate aminotransferase; plus strand). Cytogenetic location: 16p13.2.
Variant type: single nucleotide variant.
Coding change: c.317G>A on transcript NM_020686.6 (MANE Select); coding-DNA position 317, G replaced by A.
Protein change: p.Gly106Asp; replaces glycine 106 with aspartic acid.
Molecular consequence: missense variant.
Genome position (GRCh38, 1-based): chr16:8,757,757, G>A. VCF-style: chr16-8757757-G-A. GRCh37 (hg19) VCF-style: chr16-8851614-G-A.
Other names: c.317G>A, p.Gly106Asp (NM_000663.5, NM_001127448.2, NM_001386600.1 and 10 more transcripts); c.182G>A, p.Gly61Asp (NM_001386610.1, NM_001386611.1, NM_001386612.1 and 1 more transcripts); c.71G>A, p.Gly24Asp (NM_001386614.1); c.413G>A, p.Gly138Asp (NM_001386615.1); short protein forms G138D, G24D, G106D, G61D.
Identifiers: ClinVar variation 4695877 (VCV004695877.1).

ClinVar aggregate classification (germline): Uncertain significance (1 of 4 stars; one submission).

Conditions:
Gamma-aminobutyric acid transaminase deficiency (GABATD). Also called: GABA aminotransaminase deficiency; GABA transaminase deficiency; Gamma aminobutyrate transaminase deficiency; 4 alpha aminobutyrate transaminase deficiency. Identifiers: Orphanet 2066, MedGen C0342708, MONDO:0013166, OMIM 613163.

Submission:

Labcorp Genetics (formerly Invitae), Labcorp
Classification: Uncertain significance for Gamma-aminobutyric acid transaminase deficiency. Last evaluated: 2025-08-23. Review status: criteria provided, single submitter. Criteria: Invitae Variant Classification Sherloc (09022015). Collection method: clinical testing. Allele origin: germline.
Comment: This sequence change replaces glycine, which is neutral and non-polar, with aspartic acid, which is acidic and polar, at codon 106 of the ABAT protein (p.Gly106Asp). This variant is not present in population databases (gnomAD no frequency). This variant has not been reported in the literature in individuals affected with ABAT-related conditions. An algorithm developed to predict the effect of missense changes on protein structure and function (PolyPhen-2) suggests that this variant is likely to be disruptive. In summary, the available evidence is currently insufficient to determine the role of this variant in disease. Therefore, it has been classified as a Variant of Uncertain Significance.